The following is an entry in ClinVar:

NM_152641.4(ARID2):c.3467del (p.Ile1156fs)

Gene: ARID2 (AT-rich interaction domain 2; plus strand). Cytogenetic location: 12q12.
Variant type: Deletion.
Coding change: c.3467del on transcript NM_152641.4 (MANE Select); coding-DNA position 3467, one base deleted (T; older notation c.3467delT).
Protein change: p.Ile1156fs; shifts the reading frame from isoleucine 1156.
Molecular consequence: frameshift variant.
Genome position (GRCh38, 1-based): chr12:45,851,590, T deleted. VCF-style (leftmost placement, unchanged base first): chr12-45851589-AT-A. GRCh37 (hg19) VCF-style: chr12-46245372-AT-A.
Other names: c.3467del, p.Ile1156fs (NM_001347839.2); short protein forms I1156fs.
Identifiers: ClinVar variation 1879231 (VCV001879231.29), dbSNP rs2547661677, ClinGen allele CA2580085453.

ClinVar aggregate classification (germline): Pathogenic (1 of 4 stars; one submission).

Submission:

CeGaT Center for Human Genetics Tuebingen
Classification: Pathogenic. Last evaluated: 2022-11-01. Review status: criteria provided, single submitter. Criteria: CeGaT Center For Human Genetics Tuebingen Variant Classification Criteria Version 2. Collection method: clinical testing. Allele origin: germline. Affected: yes. Observed: 1 variant allele.
Comment: ARID2: PVS1, PM2